The following is an entry in ClinVar:

ClinVar aggregate classification (germline): Conflicting classifications of pathogenicity. Review status: criteria provided, conflicting classifications (1 of 4 stars). 6 submissions from 6 submitters: Uncertain significance (1); Likely benign (4). 1 of the submissions does not count toward it. Last evaluated 2026-08-01.

Conditions:
Hereditary cancer-predisposing syndrome. Also called: Tumor predisposition; Neoplastic Syndromes, Hereditary; Hereditary neoplastic syndrome; Hereditary Cancer Syndrome. Identifiers: Orphanet 140162, MedGen C0027672, MeSH D009386, MONDO:0015356.
BIVM-ERCC5-related disorder. Also called: BIVM-ERCC5-related condition.
Xeroderma pigmentosum, group G (XPG). Also called: ERCC5-Related Xeroderma Pigmentosum; XERODERMA PIGMENTOSUM VII; XP, GROUP G; Xeroderma pigmentosum type 7. Identifiers: MedGen C0268141, MONDO:0010216, OMIM 278780.

Allele frequency attached by ClinVar (database versions not stated): 1000 Genomes Project 0.00060; 1000 Genomes Project 30x 0.00062; TOPMed 0.00094; gnomAD 0.00107 and 0.00109; ESP Exome Variant Server 0.00146.

Submissions (6):

CeGaT Center for Human Genetics Tuebingen
Classification: Likely benign. Last evaluated: 2026-08-01. Review status: criteria provided, single submitter. Criteria: CeGaT Center For Human Genetics Tuebingen Variant Classification Criteria Version 2. Collection method: clinical testing. Allele origin: germline. Affected: yes. Observed: 11 variant alleles.
Comment: ERCC5: BP4, BP7

Labcorp Genetics (formerly Invitae), Labcorp
Classification: Likely benign. Last evaluated: 2026-01-28. Review status: criteria provided, single submitter. Criteria: Invitae Variant Classification Sherloc (09022015). Collection method: clinical testing. Allele origin: germline.

Blueprint Genetics
Classification: Likely benign. Last evaluated: 2024-10-15. Review status: criteria provided, single submitter. Criteria: ACMG Guidelines, 2015. Collection method: clinical testing. Allele origin: germline.

Sema4
Classification: Likely benign for Hereditary cancer-predisposing syndrome. Last evaluated: 2020-10-16. Review status: criteria provided, single submitter. Criteria: Sema4 Curation Guidelines. Collection method: curation. Allele origin: germline.

Illumina Laboratory Services, Illumina
Classification: Uncertain significance for Xeroderma pigmentosum, group G. Last evaluated: 2018-01-13. Review status: criteria provided, single submitter. Criteria: ICSL Variant Classification Criteria 13 December 2019. Collection method: clinical testing. Allele origin: germline.

PreventionGenetics, part of Exact Sciences
Classification: Likely benign for BIVM-ERCC5-related condition. Last evaluated: 2019-03-29. Review status: no assertion criteria provided. Collection method: clinical testing. Allele origin: germline. Not counted in ClinVar's aggregate classification.
Comment: This variant is classified as likely benign based on ACMG/AMP sequence variant interpretation guidelines (Richards et al. 2015 PMID: 25741868, with internal and published modifications).

NM_000123.4(ERCC5):c.1287T>C (p.Asp429=)

Genes: BIVM-ERCC5 (BIVM-ERCC5 readthrough; plus strand), ERCC5 (ERCC excision repair 5, endonuclease; plus strand). Cytogenetic location: 13q33.1.
Variant type: single nucleotide variant.
Coding change: c.1287T>C on transcript NM_000123.4 (MANE Select); coding-DNA position 1287, T replaced by C.
Protein change: p.Asp429=; no amino-acid change (aspartic acid 429 retained).
Molecular consequence: synonymous variant.
Genome position (GRCh38, 1-based): chr13:102,862,436, T>C. VCF-style: chr13-102862436-T-C. GRCh37 (hg19) VCF-style: chr13-103514786-T-C.
Other names: c.2649T>C, p.Asp883= (NM_001204425.2).
Identifiers: ClinVar variation 310921 (VCV000310921.42), dbSNP rs146853061, ClinGen allele CA7041386.